The following is an entry in ClinVar:

ClinVar aggregate classification (germline): Conflicting classifications of pathogenicity. Review status: criteria provided, conflicting classifications (1 of 4 stars). 4 submissions from 4 submitters: Uncertain significance (3); Likely benign (1). Last evaluated 2025-12-20.

Conditions:
Alagille syndrome due to a JAG1 point mutation. Also called: HEPATIC DUCTULAR HYPOPLASIA, SYNDROMATIC; JAG1-Related Alagille Syndrome; Alagille Syndrome 1. Identifiers: Orphanet 261619, Orphanet 52, MedGen C1956125, MONDO:0016862, OMIM 118450.
JAG1-related disorder. Also called: JAG1-related disorders; JAG1-related condition.
Cardiovascular phenotype. Identifiers: MedGen CN230736.

Allele frequency attached by ClinVar (database versions not stated): gnomAD 0.00001 and 0.00005; gnomAD exomes 0.00001 and 0.00003; ExAC 0.00002; TOPMed 0.00002; 1000 Genomes Project 0.00020; 1000 Genomes Project 30x 0.00031.
gnomAD v4.1: 51 of 1,614,200 alleles (0.0032%); highest among the groups gnomAD compares: East Asian, 0.047%; no homozygotes.

Submissions (4):

Labcorp Genetics (formerly Invitae), Labcorp
Classification: Likely benign for Alagille syndrome due to a JAG1 point mutation. Last evaluated: 2025-12-20. Review status: criteria provided, single submitter. Criteria: Invitae Variant Classification Sherloc (09022015). Collection method: clinical testing. Allele origin: germline.

PreventionGenetics, part of Exact Sciences
Classification: Uncertain significance for JAG1-related condition. Last evaluated: 2025-07-16. Review status: criteria provided, single submitter. Criteria: ACMG Guidelines, 2015. Collection method: clinical testing. Allele origin: germline.
Comment: The JAG1 c.3530C>T variant is predicted to result in the amino acid substitution p.Thr1177Met. To our knowledge, this variant has not been reported in the literature. This variant is reported in 0.0033% of alleles in individuals of South Asian descent in gnomAD. At this time, the clinical significance of this variant is uncertain due to the absence of conclusive functional and genetic evidence.

Ambry Genetics
Classification: Uncertain significance for Cardiovascular phenotype. Last evaluated: 2023-01-25. Review status: criteria provided, single submitter. Criteria: Ambry Variant Classification Scheme 2023. Collection method: clinical testing. Allele origin: germline.
Comment: The p.T1177M variant (also known as c.3530C>T), located in coding exon 26 of the JAG1 gene, results from a C to T substitution at nucleotide position 3530. The threonine at codon 1177 is replaced by methionine, an amino acid with similar properties. This amino acid position is conserved. In addition, the in silico prediction for this alteration is inconclusive. Since supporting evidence is limited at this time, the clinical significance of this alteration remains unclear.

GeneDx
Classification: Uncertain significance. Last evaluated: 2018-12-10. Review status: criteria provided, single submitter. Criteria: GeneDx Variant Classification Process June 2021. Collection method: clinical testing. Allele origin: germline. Affected: yes.
Comment: Not observed at a significant frequency in large population cohorts (Lek et al., 2016); In silico analysis, which includes protein predictors and evolutionary conservation, supports that this variant does not alter protein structure/function; Has not been previously published as pathogenic or benign to our knowledge

NM_000214.3(JAG1):c.3530C>T (p.Thr1177Met)

Gene: JAG1 (jagged canonical Notch ligand 1; minus strand). Cytogenetic location: 20p12.2.
Variant type: single nucleotide variant.
Coding change: c.3530C>T on transcript NM_000214.3 (MANE Select); coding-DNA position 3530, C replaced by T.
Protein change: p.Thr1177Met; replaces threonine 1177 with methionine.
Molecular consequence: missense variant.
Genome position (GRCh38, 1-based): chr20:10,639,625, G>A on the plus strand (C>T on the coding strand, the complement: JAG1 is on the minus strand). VCF-style: chr20-10639625-G-A. GRCh37 (hg19) VCF-style: chr20-10620273-G-A.
Other names: short protein forms T1177M.
Identifiers: ClinVar variation 1018158 (VCV001018158.12), dbSNP rs533237399, ClinGen allele CA9764193.